The following is an entry in ClinVar:

ClinVar aggregate classification (germline): Uncertain significance. Review status: criteria provided, multiple submitters, no conflicts (2 of 4 stars). 3 submissions from 3 submitters: Uncertain significance (2). 1 of the submissions does not count toward it. Last evaluated 2025-08-06.

Conditions:
Inborn genetic diseases. Identifiers: MedGen C0950123, MeSH D030342.
PCNT-related disorder. Also called: PCNT-related condition.

Allele frequency attached by ClinVar (database versions not stated): gnomAD 0.00003 and 0.00004; gnomAD exomes 0.00004; ExAC 0.00005; 1000 Genomes Project 30x 0.00016; 1000 Genomes Project 0.00020.
gnomAD v4.1: 22 of 1,612,058 alleles (0.0014%); highest among the groups gnomAD compares: Admixed American, 0.01%; no homozygotes.

Submissions (3):

Ambry Genetics
Classification: Uncertain significance for Inborn genetic diseases. Last evaluated: 2025-08-06. Review status: criteria provided, single submitter. Criteria: Ambry Variant Classification Scheme 2023. Collection method: clinical testing. Allele origin: germline.

Labcorp Genetics (formerly Invitae), Labcorp
Classification: Uncertain significance. Last evaluated: 2022-08-09. Review status: criteria provided, single submitter. Criteria: Invitae Variant Classification Sherloc (09022015). Collection method: clinical testing. Allele origin: germline.
Comment: This sequence change replaces alanine, which is neutral and non-polar, with valine, which is neutral and non-polar, at codon 2748 of the PCNT protein (p.Ala2748Val). This variant is present in population databases (rs569798532, gnomAD 0.02%). This variant has not been reported in the literature in individuals affected with PCNT-related conditions. ClinVar contains an entry for this variant (Variation ID: 1490937). Algorithms developed to predict the effect of missense changes on protein structure and function are either unavailable or do not agree on the potential impact of this missense change (SIFT: "Deleterious"; PolyPhen-2: "Possibly Damaging"; Align-GVGD: "Class C0"). In summary, the available evidence is currently insufficient to determine the role of this variant in disease. Therefore, it has been classified as a Variant of Uncertain Significance.

PreventionGenetics, part of Exact Sciences
Classification: Uncertain significance for PCNT-related condition. Last evaluated: 2024-08-19. Review status: no assertion criteria provided. Collection method: clinical testing. Allele origin: germline. Not counted in ClinVar's aggregate classification.
Comment: The PCNT c.8243C>T variant is predicted to result in the amino acid substitution p.Ala2748Val. To our knowledge, this variant has not been reported in the literature. This variant is reported in 0.011% of alleles in individuals of Latino descent in gnomAD. At this time, the clinical significance of this variant is uncertain due to the absence of conclusive functional and genetic evidence.

NM_006031.6(PCNT):c.8243C>T (p.Ala2748Val)

Gene: PCNT (pericentrin; plus strand). Cytogenetic location: 21q22.3.
Variant type: single nucleotide variant.
Coding change: c.8243C>T on transcript NM_006031.6 (MANE Select); coding-DNA position 8243, C replaced by T.
Protein change: p.Ala2748Val; replaces alanine 2748 with valine.
Molecular consequence: missense variant.
Genome position (GRCh38, 1-based): chr21:46,431,707, C>T. VCF-style: chr21-46431707-C-T. GRCh37 (hg19) VCF-style: chr21-47851621-C-T.
Other names: c.8243C>T (NM_006031.5); c.7889C>T, p.Ala2630Val (NM_001315529.2); short protein forms A2748V, A2630V.
Identifiers: ClinVar variation 1490937 (VCV001490937.10), dbSNP rs569798532, ClinGen allele CA10080920.